The following is an entry in ClinVar:

ClinVar aggregate classification (germline): Uncertain significance (1 of 4 stars; one submission).

Submissions (2):

GeneDx
Classification: Uncertain significance. Last evaluated: 2026-02-04. Review status: criteria provided, single submitter. Criteria: GeneDx Variant Classification Process June 2021. Collection method: clinical testing. Allele origin: germline.
Comment: Not observed at significant frequency in large population cohorts (gnomAD); In silico analysis supports a deleterious effect on splicing; Has not been previously published as pathogenic or benign to our knowledge

Dr. Peter K. Rogan Lab, Western University
No classification provided (evidence only). Condition: Ovarian serous cystadenocarcinoma. Review status: no classification provided. Collection method: in vitro. Allele origin: not applicable. Functional consequence: retained intron. Not counted in ClinVar's aggregate classification.

NM_031407.7(HUWE1):c.8006-4A>G

Gene: HUWE1 (HECT, UBA and WWE domain containing E3 ubiquitin protein ligase 1; minus strand). Cytogenetic location: Xp11.22.
Variant type: single nucleotide variant.
Coding change: c.8006-4A>G on transcript NM_031407.7 (MANE Select); 4 bases into the intron before coding-DNA position 8006, A replaced by G.
Molecular consequence: intron variant.
Genome position (GRCh38, 1-based): chrX:53,558,813, T>C on the plus strand (A>G on the coding strand, the complement: HUWE1 is on the minus strand). VCF-style: chrX-53558813-T-C. GRCh37 (hg19) VCF-style: chrX-53585774-T-C.
Other names: NC_000023.10:g.53585774T>C; c.8003-4A>G (NM_001441048.1, NM_001441051.1, NM_001441053.1 and 2 more transcripts); c.8006-4A>G (NM_001441049.1, NM_001441054.1, NM_001441057.1); c.8027-4A>G (NM_001441050.1, NM_001441055.1); c.7604-4A>G (NM_001441052.1).
Identifiers: ClinVar variation 4493201 (VCV004493201.2).